The following is an entry in ClinVar:

ClinVar aggregate classification (germline): Uncertain significance. Review status: criteria provided, single submitter (1 of 4 stars). 2 submissions from 2 submitters: Uncertain significance (1). 1 of the submissions does not count toward it. Last evaluated 2016-08-01.

Conditions:
Nemaline myopathy 2 (NEM2). Also called: Nemaline myopathy 2, autosomal recessive. Identifiers: MedGen C1850569, MONDO:0009725, OMIM 256030.

Allele frequency attached by ClinVar (database versions not stated): gnomAD exomes 0.00002.
gnomAD v4.1: 2 of 125,130 alleles (0.0016%); highest among the groups gnomAD compares: East Asian, 0.01%; no homozygotes.

Submissions (2):

Labcorp Genetics (formerly Invitae), Labcorp
Classification: Uncertain significance for Nemaline myopathy 2. Last evaluated: 2016-08-01. Review status: criteria provided, single submitter. Criteria: Invitae Variant Classification Sherloc (09022015). Collection method: clinical testing. Allele origin: germline.
Comment: This sequence change replaces tyrosine with cysteine at codon 4148 of the NEB protein (p.Tyr4148Cys). The tyrosine residue is weakly conserved and there is a large physicochemical difference between tyrosine and cysteine. This variant occurs in a region of NEB (Exons 82-105) consisting of three highly homologous 8-exon repeat units (exons 82-89, exons 90-97, exons 98-105). Sequence variants in this region can be detected, but this assay cannot determine which of the three repeat units is affected, and zygosity is often ambiguous. All variants in this region are reported relative to the exon 82-89 repeat. This variant is not present in the population databases and has not been reported in the literature in individuals with NEB-related disease. However, it occurs in the triplicated region of NEB and the frequency data is considered unreliable. Algorithms developed to predict the effect of missense changes on protein structure and function do not agree on the potential impact of this missense change (SIFT: "Deleterious"; PolyPhen-2: "unavailable"; Align-GVGD: "Class C0"). In summary, this variant is a novel missense change with uncertain affect on protein function. Missense variants in the NEB gene are typically not pathogenic, and there is no indication that this variant causes disease. However, the available evidence is currently insufficient to prove that conclusively. Therefore, it has been classified as a Variant of Uncertain Significance.

Natera, Inc.
Classification: Uncertain significance for Nemaline myopathy type 2. Last evaluated: 2020-11-05. Review status: no assertion criteria provided. Collection method: clinical testing. Allele origin: germline. Not counted in ClinVar's aggregate classification.

NM_001164508.2(NEB):c.12443A>G (p.Tyr4148Cys)

Gene: NEB (nebulin; minus strand). Cytogenetic location: 2q23.3.
Variant type: single nucleotide variant.
Coding change: c.12443A>G on transcript NM_001164508.2 (MANE Select); coding-DNA position 12443, A replaced by G.
Protein change: p.Tyr4148Cys; replaces tyrosine 4148 with cysteine.
Molecular consequence: missense variant. On other transcripts: intron variant (1).
Genome position (GRCh38, 1-based): chr2:151,608,564, T>C on the plus strand (A>G on the coding strand, the complement: NEB is on the minus strand). VCF-style: chr2-151608564-T-C. GRCh37 (hg19) VCF-style: chr2-152465078-T-C.
Other names: c.12443A>G, p.Tyr4148Cys (NM_001164507.2, NM_001271208.2); c.11601+1245A>G (NM_004543.5); short protein forms Y4148C.
Identifiers: ClinVar variation 465454 (VCV000465454.8), dbSNP rs1553877721, ClinGen allele CA348775874.